The following is an entry in ClinVar:

NM_001555.5(IGSF1):c.683C>G (p.Pro228Arg)

Gene: IGSF1 (immunoglobulin superfamily member 1; minus strand). Cytogenetic location: Xq26.1.
Variant type: single nucleotide variant.
Coding change: c.683C>G on transcript NM_001555.5 (MANE Select); coding-DNA position 683, C replaced by G.
Protein change: p.Pro228Arg; replaces proline 228 with arginine.
Molecular consequence: missense variant.
Genome position (GRCh38, 1-based): chrX:131,283,249, G>C on the plus strand (C>G on the coding strand, the complement: IGSF1 is on the minus strand). VCF-style: chrX-131283249-G-C. GRCh37 (hg19) VCF-style: chrX-130417223-G-C.
Other names: c.683C>G, p.Pro228Arg (NM_001170961.2); c.656C>G, p.Pro219Arg (NM_001170962.2); short protein forms P219R, P228R.
Identifiers: ClinVar variation 1806552 (VCV001806552.1), dbSNP rs2522265115, ClinGen allele CA414580313.

ClinVar aggregate classification (germline): Uncertain significance (1 of 4 stars; one submission).

Submission:

GeneDx
Classification: Uncertain significance. Last evaluated: 2022-06-26. Review status: criteria provided, single submitter. Criteria: GeneDx Variant Classification Process June 2021. Collection method: clinical testing. Allele origin: germline. Affected: yes.
Comment: Not observed at significant frequency in large population cohorts (gnomAD); In silico analysis supports that this missense variant has a deleterious effect on protein structure/function; Has not been previously published as pathogenic or benign to our knowledge